The following is an entry in ClinVar:

ClinVar aggregate classification (germline): Benign. Review status: criteria provided, multiple submitters, no conflicts (2 of 4 stars). 5 submissions from 5 submitters: Benign (5). Last evaluated 2026-02-04.

Conditions:
Hyperlipidemia due to hepatic triglyceride lipase deficiency. Also called: LIPC DEFICIENCY. Identifiers: Orphanet 140905, MedGen C3151466, MONDO:0013533, OMIM 614025.

Allele frequency attached by ClinVar (database versions not stated): ESP Exome Variant Server 0.12739; TOPMed 0.13587; 1000 Genomes Project 30x 0.19878; 1000 Genomes Project 0.20148.
gnomAD v4.1: 261,962 of 1,608,476 alleles (16%); highest among the groups gnomAD compares: South Asian, 34%; 24,583 homozygotes.

Submissions (5):

Labcorp Genetics (formerly Invitae), Labcorp
Classification: Benign. Last evaluated: 2026-02-04. Review status: criteria provided, single submitter. Criteria: Invitae Variant Classification Sherloc (09022015). Collection method: clinical testing. Allele origin: germline.

Mayo Clinic Laboratories, Mayo Clinic
Classification: Benign. Last evaluated: 2022-04-26. Review status: criteria provided, single submitter. Criteria: ACMG Guidelines, 2015. Collection method: clinical testing. Allele origin: germline. Observed: 22 variant alleles.

GeneDx
Classification: Benign. Last evaluated: 2018-09-17. Review status: criteria provided, single submitter. Criteria: GeneDx Variant Classification Process June 2021. Collection method: clinical testing. Allele origin: germline. Affected: yes.

Illumina Laboratory Services, Illumina
Classification: Benign for Hyperlipidemia due to hepatic triglyceride lipase deficiency. Last evaluated: 2018-01-13. Review status: criteria provided, single submitter. Criteria: ICSL Variant Classification Criteria 13 December 2019. Collection method: clinical testing. Allele origin: germline.
Comment: This variant was observed in the ICSL laboratory as part of a predisposition screen in an ostensibly healthy population. It had not been previously curated by ICSL or reported in the Human Gene Mutation Database (HGMD: prior to June 1st, 2018), and was therefore a candidate for classification through an automated scoring system. Utilizing variant allele frequency, disease prevalence and penetrance estimates, and inheritance mode, an automated score was calculated to assess if this variant is too frequent to cause the disease. Based on the score and internal cut-off values, a variant classified as benign is not then subjected to further curation. The score for this variant resulted in a classification of benign for this disease.

Breakthrough Genomics
Classification: Benign. Review status: criteria provided, single submitter. Criteria: ACMG Guidelines, 2015. Collection method: not provided. Allele origin: germline. Inheritance: Autosomal recessive inheritance. Affected: yes.

NM_000236.3(LIPC):c.1437C>A (p.Thr479=)

Gene: LIPC (lipase C, hepatic type; plus strand). Cytogenetic location: 15q21.3.
Variant type: single nucleotide variant.
Coding change: c.1437C>A on transcript NM_000236.3 (MANE Select); coding-DNA position 1437, C replaced by A.
Protein change: p.Thr479=; no amino-acid change (threonine 479 retained).
Molecular consequence: synonymous variant.
Genome position (GRCh38, 1-based): chr15:58,568,764, C>A. VCF-style: chr15-58568764-C-A. GRCh37 (hg19) VCF-style: chr15-58860963-C-A.
Other names: p.Thr479=.
Identifiers: ClinVar variation 316681 (VCV000316681.16), dbSNP rs6074, ClinGen allele CA7585258.